The following is an entry in ClinVar:

ClinVar aggregate classification (germline): Likely benign (1 of 4 stars; one submission).

Submission:

GeneDx
Classification: Likely benign. Last evaluated: 2022-01-18. Review status: criteria provided, single submitter. Criteria: GeneDx Variant Classification Process June 2021. Collection method: clinical testing. Allele origin: germline. Affected: yes.
Comment: See Variant Classification Assertion Criteria.

NM_001029.5(RPS26):c.*211dup

Gene: RPS26 (ribosomal protein S26; plus strand). Cytogenetic location: 12q13.2.
Variant type: Duplication.
Coding change: c.*211dup on transcript NM_001029.5 (MANE Select); 211 bases downstream of the stop codon, one base duplicated (T; older notation c.*211dupT).
Molecular consequence: 3 prime UTR variant.
Genome position (GRCh38, 1-based): chr12:56,044,365, T duplicated; the last of 20 consecutive T bases (chr12:56,044,346-56,044,365); duplicating any one gives the same sequence. VCF-style (leftmost placement, unchanged base first): chr12-56044345-C-CT. GRCh37 (hg19) VCF-style: chr12-56438129-C-CT.
Identifiers: ClinVar variation 1697129 (VCV001697129.2), dbSNP rs1191650736, ClinGen allele CA605259572.